The following is an entry in ClinVar:

ClinVar aggregate classification (germline): Uncertain significance (1 of 4 stars; one submission).

Submission:

Women's Health and Genetics/Laboratory Corporation of America, LabCorp
Classification: Uncertain significance. Last evaluated: 2023-05-16. Review status: criteria provided, single submitter. Criteria: LabCorp Variant Classification Summary - May 2015. Collection method: clinical testing. Allele origin: germline.
Comment: Variant summary: SMPD1 c.107delins13 (p.Val36delinsAlaLeuAlaLeuAla) results in an in-frame deletion-insertion that is predicted to delete one amino acid and insert 5 amino acids into the the protein. The variant was absent in about 235034 control chromosomes, however it is located to a polymorphic region, where it is in overlap with other frequent in-frame deletion-insertion variants. To our knowledge, no occurrence of c.107delins13 in individuals affected with Niemann-Pick Disease Type A and no experimental evidence demonstrating its impact on protein function have been reported. No clinical diagnostic laboratories have submitted clinical-significance assessments for this variant to ClinVar after 2014. Based on the evidence outlined above, the variant was classified as uncertain significance.

NM_000543.5(SMPD1):c.107delinsCGCTGGCGCTGGC (p.Val36delinsAlaLeuAlaLeuAla)

Gene: SMPD1 (sphingomyelin phosphodiesterase 1; plus strand). Cytogenetic location: 11p15.4.
Variant type: Indel.
Coding change: c.107delinsCGCTGGCGCTGGC on transcript NM_000543.5 (MANE Select); coding-DNA position 107, T replaced by CGCTGGCGCTGGC.
Protein change: p.Val36delinsAlaLeuAlaLeuAla.
Molecular consequence: inframe indel. On other transcripts: 5 prime UTR variant (1), non-coding transcript variant (2).
Genome position (GRCh38, 1-based): chr11:6,390,705, T replaced by CGCTGGCGCTGGC. VCF-style: chr11-6390705-T-CGCTGGCGCTGGC. GRCh37 (hg19) VCF-style: chr11-6411935-T-CGCTGGCGCTGGC.
Other names: c.107delinsCGCTGGCGCTGGC, p.Val36delinsAlaLeuAlaLeuAla (NM_001007593.3, NM_001318087.2, NM_001365135.2); c.-855delinsCGCTGGCGCTGGC (NM_001318088.2).
Identifiers: ClinVar variation 987840 (VCV000987840.2), dbSNP rs1847861920, ClinGen allele CA1139661802.